The following is an entry in ClinVar:

ClinVar aggregate classification (germline): Benign/Likely benign. Review status: criteria provided, multiple submitters, no conflicts (2 of 4 stars). 19 submissions from 16 submitters: Benign (1); Likely benign (16). 2 of the submissions do not count toward it. Last evaluated 2026-06-01.

Conditions:
Myosin storage myopathy (CMYO7A). Also called: MYOPATHY WITH LYSIS OF TYPE I MYOFIBRILS; MYOPATHY, HYALINE BODY, AUTOSOMAL DOMINANT; SCAPULOPERONEAL MUSCULAR DYSTROPHY; SCAPULOPERONEAL SYNDROME, MYOPATHIC TYPE; MYH7-related late-onset scapuloperoneal muscular dystrophy; Congenital myopathy 7A, myosin storage, autosomal dominant. Identifiers: Orphanet 437572, Orphanet 636965, MedGen C1842160, MONDO:0008409, OMIM 608358.
Cardiovascular phenotype. Identifiers: MedGen CN230736.
Cardiomyopathy (CMYO). Also called: Cardiomyopathies. Identifiers: Orphanet 167848, MedGen C0878544, MONDO:0004994, HP:0001638. Inheritance: Various modes of inheritance.
Hypertrophic cardiomyopathy 1 (CMH1). Also called: Familial hypertrophic cardiomyopathy 1; MYH7-Related Familial Hypertrophic Cardiomyopathy. Identifiers: MedGen C3495498, MONDO:0008647, OMIM 192600.
Dilated cardiomyopathy 1S (CMD1S). Identifiers: Orphanet 154, Orphanet 54260, MedGen C1834481, MONDO:0013262, OMIM 613426.
MYH7-related skeletal myopathy. Also called: Myopathy, distal, 1; Laing distal myopathy; MYOPATHY, DISTAL, EARLY-ONSET, AUTOSOMAL DOMINANT; MYOPATHY, LATE DISTAL HEREDITARY; Laing early-onset distal myopathy. Identifiers: Orphanet 59135, MedGen C4552004, MONDO:0008050, OMIM 160500.
Hypertrophic cardiomyopathy. Also called: HYPERTROPHIC MYOCARDIOPATHY. Identifiers: Orphanet 217569, MedGen C0007194, MeSH D002312, MONDO:0005045, HP:0001639.

Allele frequency attached by ClinVar (database versions not stated): gnomAD exomes 0.00032 and 0.00059; ExAC 0.00034; gnomAD 0.00036 and 0.00037; TOPMed 0.00038; ESP Exome Variant Server 0.00092.
gnomAD v4.1: 926 of 1,614,070 alleles (0.057%); highest among the groups gnomAD compares: Non-Finnish European, 0.07%; no homozygotes.

Submissions (19):

CeGaT Center for Human Genetics Tuebingen
Classification: Likely benign. Last evaluated: 2026-06-01. Review status: criteria provided, single submitter. Criteria: CeGaT Center For Human Genetics Tuebingen Variant Classification Criteria Version 2. Collection method: clinical testing. Allele origin: germline. Affected: yes. Observed: 8 variant alleles.
Comment: MYH7: BP4, BP7

Labcorp Genetics (formerly Invitae), Labcorp
Classification: Likely benign for Hypertrophic cardiomyopathy. Last evaluated: 2026-01-31. Review status: criteria provided, single submitter. Criteria: Invitae Variant Classification Sherloc (09022015). Collection method: clinical testing. Allele origin: germline.

Mayo Clinic Laboratories, Mayo Clinic
Classification: Likely benign. Last evaluated: 2025-05-05. Review status: criteria provided, single submitter. Criteria: ACMG Guidelines, 2015. Collection method: clinical testing. Allele origin: germline. Observed: 1 variant allele.
Comment: BP4, BP7

Molecular Diagnostic Laboratory for Inherited Cardiovascular Disease, Montreal Heart Institute
Classification: Likely benign. Last evaluated: 2025-04-09. Review status: criteria provided, single submitter. Criteria: ACMG Guidelines, 2015. Collection method: clinical testing. Allele origin: germline. Affected: no.

Blueprint Genetics
Classification: Likely benign. Last evaluated: 2024-09-19. Review status: criteria provided, single submitter. Criteria: ACMG Guidelines, 2015. Collection method: clinical testing. Allele origin: germline.

CHEO Genetics Diagnostic Laboratory, Children's Hospital of Eastern Ontario
Classification: Likely benign for Cardiomyopathy. Last evaluated: 2021-10-13. Review status: criteria provided, single submitter. Criteria: ACMG Guidelines, 2015. Collection method: clinical testing. Allele origin: germline.

Women's Health and Genetics/Laboratory Corporation of America, LabCorp
Classification: Likely benign. Last evaluated: 2019-08-29. Review status: criteria provided, single submitter. Criteria: LabCorp Variant Classification Summary - May 2015. Collection method: clinical testing. Allele origin: germline.

Athena Diagnostics
Classification: Likely benign. Last evaluated: 2019-07-18. Review status: criteria provided, single submitter. Criteria: Athena Diagnostics Criteria. Collection method: clinical testing. Allele origin: germline.

Illumina Laboratory Services, Illumina
Classification: Likely benign for Hypertrophic cardiomyopathy 1. Last evaluated: 2019-03-25. Review status: criteria provided, single submitter. Criteria: ICSL Variant Classification Criteria 13 December 2019. Collection method: clinical testing. Allele origin: germline.
Comment: This variant was observed as part of a predisposition screen in an ostensibly healthy population. A literature search was performed for the gene, cDNA change, and amino acid change (where applicable). Publications were found based on this search. The evidence from the literature, in combination with allele frequency data from public databases where available, was sufficient to determine this variant is unlikely to cause disease. Therefore, this variant is classified as likely benign.

Illumina Laboratory Services, Illumina
Classification: Likely benign for Dilated cardiomyopathy 1S. Last evaluated: 2019-03-25. Review status: criteria provided, single submitter. Criteria: ICSL Variant Classification Criteria 13 December 2019. Collection method: clinical testing. Allele origin: germline.
Comment: This variant was observed as part of a predisposition screen in an ostensibly healthy population. A literature search was performed for the gene, cDNA change, and amino acid change (where applicable). No publications were found based on this search. Allele frequency data from public databases allowed determination this variant is unlikely to cause disease. Therefore, this variant is classified as likely benign.

Illumina Laboratory Services, Illumina
Classification: Likely benign for MYH7-related skeletal myopathy. Last evaluated: 2019-03-25. Review status: criteria provided, single submitter. Criteria: ICSL Variant Classification Criteria 13 December 2019. Collection method: clinical testing. Allele origin: germline.
Comment: the same text as in the submission from Illumina Laboratory Services, Illumina above.

Illumina Laboratory Services, Illumina
Classification: Likely benign for Myosin storage myopathy. Last evaluated: 2019-03-25. Review status: criteria provided, single submitter. Criteria: ICSL Variant Classification Criteria 13 December 2019. Collection method: clinical testing. Allele origin: germline.
Comment: the same text as in the submission from Illumina Laboratory Services, Illumina above.

Color Diagnostics, LLC DBA Color Health
Classification: Likely benign for Cardiomyopathy. Last evaluated: 2018-05-29. Review status: criteria provided, single submitter. Criteria: ACMG Guidelines, 2015. Collection method: clinical testing. Allele origin: germline.

Ambry Genetics
Classification: Likely benign for Cardiovascular phenotype. Last evaluated: 2017-03-28. Review status: criteria provided, single submitter. Criteria: Ambry Variant Classification Scheme 2023. Collection method: clinical testing. Allele origin: germline.

Laboratory for Molecular Medicine, Mass General Brigham Personalized Medicine
Classification: Likely benign. Last evaluated: 2016-08-09. Review status: criteria provided, single submitter. Criteria: LMM Criteria. Collection method: clinical testing. Allele origin: germline. Observed: 5 variant alleles.
Comment: p.Arg783Arg in exon 21 of MYH7: This variant is not expected to have clinical si gnificance because it does not alter an amino acid residue and is not located wi thin the splice consensus sequence. It has been identified in 38/66720 European chromosomes by the Exome Aggregation Consortium (ExAC;dbSNP rs139882431).

GeneDx
Classification: Benign. Last evaluated: 2015-03-03. Review status: criteria provided, single submitter. Criteria: GeneDx Variant Classification Process June 2021. Collection method: clinical testing. Allele origin: germline. Affected: yes.

PreventionGenetics, part of Exact Sciences
Classification: Likely benign. Review status: criteria provided, single submitter. Criteria: ACMG Guidelines, 2015. Collection method: clinical testing. Allele origin: germline.

Clinical Genetics DNA and cytogenetics Diagnostics Lab, Erasmus MC, Erasmus Medical Center
Classification: Likely benign. Review status: no assertion criteria provided. Collection method: clinical testing. Allele origin: germline. Affected: yes. Study: VKGL Data-share Consensus. Not counted in ClinVar's aggregate classification.

Genome Diagnostics Laboratory, University Medical Center Utrecht
Classification: Likely benign. Review status: no assertion criteria provided. Collection method: clinical testing. Allele origin: germline. Affected: yes. Study: VKGL Data-share Consensus. Not counted in ClinVar's aggregate classification.

Literature cited by the submitters: PubMed 20800588 (cited by Illumina Laboratory Services, Illumina).

NM_000257.4(MYH7):c.2349C>T (p.Arg783=)

Genes: MYH7 (myosin heavy chain 7; minus strand), LOC126861898 (BRD4-independent group 4 enhancer GRCh37_chr14:23893609-23894808; plus strand). Cytogenetic location: 14q11.2.
Variant type: single nucleotide variant.
Coding change: c.2349C>T on transcript NM_000257.4 (MANE Select); coding-DNA position 2349, C replaced by T.
Protein change: p.Arg783=; no amino-acid change (arginine 783 retained).
Molecular consequence: synonymous variant.
Genome position (GRCh38, 1-based): chr14:23,425,356, G>A on the plus strand (C>T on the coding strand, the complement: MYH7 is on the minus strand). VCF-style: chr14-23425356-G-A. GRCh37 (hg19) VCF-style: chr14-23894565-G-A.
Other names: p.Arg783=.
Identifiers: ClinVar variation 42896 (VCV000042896.75), dbSNP rs139882431, ClinGen allele CA012206.
Genomic context (GRCh38, chr14:23,425,356, plus strand): 5'-CTTTTTGTACTCCATTCTGGCGAGCACACCTCGGGACTGGGCCTGGATACGCGTGATGAT[G>A]CGGCTCAGCCTCTCGTCCCTCATTTCCTCCAGCAGCCCCAGCAGCCCGGCCTTGAAGAAC-3'
Protein context (NP_000248.2, residues 773-793): LEEMRDERLS[Arg783=]IITRIQAQSR